The following is an entry in ClinVar:

NC_000002.11:g.(27535977_27545314)_(27545965_?)del

Gene: MPV17 (mitochondrial inner membrane protein MPV17; minus strand). Cytogenetic location: 2p23.3.
Variant type: Deletion.
Identifiers: ClinVar variation 3063945 (VCV003063945.1).

ClinVar aggregate classification (germline): Pathogenic (1 of 4 stars; one submission).

Conditions:
Mitochondrial DNA depletion syndrome. Also called: mitochondrial DNA depletion. Identifiers: Orphanet 35698, MedGen C0342782, MONDO:0018158.

Submission:

Women's Health and Genetics/Laboratory Corporation of America, LabCorp
Classification: Pathogenic for Mitochondrial DNA depletion syndrome. Last evaluated: 2024-01-16. Review status: criteria provided, single submitter. Criteria: LabCorp Variant Classification Summary - May 2015. Collection method: clinical testing. Allele origin: germline.
Comment: Variant summary: The variant involves the deletion of exons 1-2 in the MPV17 gene. A presumed nomenclature of c.(?_-52)_(70+1_71-1)del has been designated for the purposes of this classification. The exact breakpoint at the 5' end of this variant is unknown, therefore this deletion may extend upstream of the annotated region of this gene. Although the exact breakpoints of this deletion are not known, it is predicted to remove the initiation codon and result in an absence of protein or a truncation of the encoded protein due to translation initiation at a downstream site. The variant was absent in 120,780 control chromosomes in the gnomAD database (Structural Variants v4.0 dataset). To our knowledge, no occurrence of c.(?_-52)_(70+1_71-1)del in individuals affected with Mitochondrial DNA Depletion Syndrome - MPV17 Related, and no experimental evidence demonstrating its impact on protein function have been reported. No submitters have cited clinical-significance assessments for this variant to ClinVar. Based on the evidence outlined above, the variant was classified as pathogenic.